The following is an entry in ClinVar:

NM_000404.4(GLB1):c.1699C>T (p.Gln567Ter)

Gene: GLB1 (galactosidase beta 1; minus strand). Cytogenetic location: 3p22.3.
Variant type: single nucleotide variant.
Coding change: c.1699C>T on transcript NM_000404.4 (MANE Select); coding-DNA position 1699, C replaced by T.
Protein change: p.Gln567Ter; replaces glutamine 567 with a stop codon.
Molecular consequence: nonsense.
Genome position (GRCh38, 1-based): chr3:33,014,091, G>A on the plus strand (C>T on the coding strand, the complement: GLB1 is on the minus strand). VCF-style: chr3-33014091-G-A. GRCh37 (hg19) VCF-style: chr3-33055583-G-A.
Other names: p.Gln567*; c.1609C>T, p.Gln537Ter (NM_001079811.3); c.1306C>T, p.Gln436Ter (NM_001135602.3); c.1843C>T, p.Gln615Ter (NM_001317040.2); short protein forms Q436*, Q537*, Q567*, Q615*.
Identifiers: ClinVar variation 1075413 (VCV001075413.6), dbSNP rs1295295164, ClinGen allele CA351983760.
Genomic context (GRCh38, chr3:33,014,091, plus strand): 5'-AAACCCTTCCCATGAAGACACGTACCTTGGTCCATCCAGGAAACTGGATAAAGGTGTCCT[G>A]GGGCAAGTCTGGGATCCCACTGGGAATGGAGAAGTTCCCCATATAAAAGGCCGGGAGCGT-3'

ClinVar aggregate classification (germline): Pathogenic/Likely pathogenic. Review status: criteria provided, multiple submitters, no conflicts (2 of 4 stars). 2 submissions from 2 submitters: Pathogenic (1); Likely pathogenic (1). Last evaluated 2022-10-05.

Conditions:
Mucopolysaccharidosis, MPS-IV-B (MPS4B). Also called: Mucopolysaccharidosis type IV B; Mucopolysaccharidosis Type IVB; Mucopolysaccharidosis type 4B; Mucopolysaccharidosis type IVB (Morquio); MPS IVB; MORQUIO SYNDROME B. Identifiers: Orphanet 309310, Orphanet 582, MedGen C0086652, MONDO:0009660, OMIM 253010.
GM1 gangliosidosis. Identifiers: Orphanet 354, MedGen C0085131, MONDO:0018149.

Allele frequency attached by ClinVar (database versions not stated): gnomAD 0.00001; gnomAD exomes 0.00001 and below 0.00001; TOPMed 0.00001.

Submissions (2):

Mayo Clinic Laboratories, Mayo Clinic
Classification: Likely pathogenic. Last evaluated: 2022-10-05. Review status: criteria provided, single submitter. Criteria: ACMG Guidelines, 2015. Collection method: clinical testing. Allele origin: germline. Observed: 1 variant allele.
Comment: PM2, PVS1_strong

Labcorp Genetics (formerly Invitae), Labcorp
Classification: Pathogenic for Mucopolysaccharidosis, MPS-IV-B; GM1 gangliosidosis. Last evaluated: 2022-01-19. Review status: criteria provided, single submitter. Criteria: Invitae Variant Classification Sherloc (09022015). Collection method: clinical testing. Allele origin: germline.
Comment: This variant is present in population databases (no rsID available, gnomAD 0.008%). For these reasons, this variant has been classified as Pathogenic. This variant disrupts a region of the GLB1 protein in which other variant(s) (p.Lys578Arg) have been determined to be pathogenic (PMID: 8213816, 21497194, 25557439). This suggests that this is a clinically significant region of the protein, and that variants that disrupt it are likely to be disease-causing. ClinVar contains an entry for this variant (Variation ID: 1075413). This variant has not been reported in the literature in individuals affected with GLB1-related conditions. This sequence change creates a premature translational stop signal (p.Gln567*) in the GLB1 gene. While this is not anticipated to result in nonsense mediated decay, it is expected to disrupt the last 111 amino acid(s) of the GLB1 protein.

Literature cited by the submitters: PubMed 8213816 (cited by Labcorp Genetics (formerly Invitae), Labcorp); PubMed 21497194 (cited by Labcorp Genetics (formerly Invitae), Labcorp); PubMed 25557439 (cited by Labcorp Genetics (formerly Invitae), Labcorp).